The following is an entry in ClinVar:

ClinVar aggregate classification (germline): Uncertain significance. Review status: criteria provided, multiple submitters, no conflicts (2 of 4 stars). 2 submissions from 2 submitters: Uncertain significance (2). Last evaluated 2024-11-12.

Allele frequency attached by ClinVar (database versions not stated): gnomAD 0.00003; TOPMed 0.00003; ExAC 0.00004; ESP Exome Variant Server 0.00015.
gnomAD v4.1: 33 of 1,613,922 alleles (0.002%); highest among the groups gnomAD compares: African/African-American, 0.008%; no homozygotes.

Submissions (2):

Labcorp Genetics (formerly Invitae), Labcorp
Classification: Uncertain significance. Last evaluated: 2024-11-12. Review status: criteria provided, single submitter. Criteria: Invitae Variant Classification Sherloc (09022015). Collection method: clinical testing. Allele origin: germline.
Comment: This sequence change replaces valine, which is neutral and non-polar, with isoleucine, which is neutral and non-polar, at codon 86 of the GPR161 protein (p.Val86Ile). This variant is present in population databases (rs374132371, gnomAD 0.01%). This variant has not been reported in the literature in individuals affected with GPR161-related conditions. ClinVar contains an entry for this variant (Variation ID: 2277306). An algorithm developed to predict the effect of missense changes on protein structure and function (PolyPhen-2) suggests that this variant is likely to be disruptive. In summary, the available evidence is currently insufficient to determine the role of this variant in disease. Therefore, it has been classified as a Variant of Uncertain Significance.

Ambry Genetics
Classification: Uncertain significance. Last evaluated: 2024-04-20. Review status: criteria provided, single submitter. Criteria: Ambry Variant Classification Scheme 2023. Collection method: clinical testing. Allele origin: germline.

NM_001375883.1(GPR161):c.196G>A (p.Val66Ile)

Gene: GPR161 (G protein-coupled receptor 161; minus strand). Cytogenetic location: 1q24.2.
Variant type: single nucleotide variant.
Coding change: c.196G>A on transcript NM_001375883.1 (MANE Select); coding-DNA position 196, G replaced by A.
Protein change: p.Val66Ile; replaces valine 66 with isoleucine.
Molecular consequence: missense variant. On other transcripts: intron variant (4).
Genome position (GRCh38, 1-based): chr1:168,104,655, C>T on the plus strand (G>A on the coding strand, the complement: GPR161 is on the minus strand). VCF-style: chr1-168104655-C-T. GRCh37 (hg19) VCF-style: chr1-168073893-C-T.
Other names: c.256G>A, p.Val86Ile (NM_001267609.1); c.196G>A, p.Val66Ile (NM_001267610.2, NM_001349632.1, NM_001349633.1 and 5 more transcripts); c.247G>A, p.Val83Ile (NM_001267611.1); c.-22-7423G>A (NM_001349635.1, NM_001267612.2); c.33-7423G>A (NM_001267614.1); c.141-7423G>A (NM_001267613.1); short protein forms V83I, V66I, V86I.
Identifiers: ClinVar variation 2277306 (VCV002277306.5), dbSNP rs374132371, ClinGen allele CA1229763.
Genomic context (GRCh38, chr1:168,104,655, plus strand): 5'-TCACCACAAAAGGCAGCACCAACACGGACAGCAGGAAGTTGGACAGAGTCAGGCTGAAGA[C>T]GAACTTGTTGCTGAGGGTGAGGAGGTAGGACTTCTTGTACAAGGTGACCACGATGACCAG-3'
Protein context (NP_001362812.1, residues 56-76): SYLLTLSNKF[Val66Ile]FSLTLSNFLL